The following is an entry in ClinVar:

ClinVar aggregate classification (germline): Uncertain significance (1 of 4 stars; one submission).

Allele frequency attached by ClinVar (database versions not stated): gnomAD exomes below 0.00001; ExAC 0.00001.
gnomAD v4.1: 5 of 1,580,680 alleles (0.00032%); highest among the groups gnomAD compares: Non-Finnish European, 0.00043%; no homozygotes.

Submission:

Labcorp Genetics (formerly Invitae), Labcorp
Classification: Uncertain significance. Last evaluated: 2022-10-13. Review status: criteria provided, single submitter. Criteria: Invitae Variant Classification Sherloc (09022015). Collection method: clinical testing. Allele origin: germline.
Comment: This sequence change replaces proline, which is neutral and non-polar, with alanine, which is neutral and non-polar, at codon 983 of the GPR179 protein (p.Pro983Ala). This variant is present in population databases (rs750885493, gnomAD 0.002%). This variant has not been reported in the literature in individuals affected with GPR179-related conditions. ClinVar contains an entry for this variant (Variation ID: 1524094). Algorithms developed to predict the effect of missense changes on protein structure and function output the following: SIFT: "Tolerated"; PolyPhen-2: "Benign"; Align-GVGD: "Class C0". The alanine amino acid residue is found in multiple mammalian species, which suggests that this missense change does not adversely affect protein function. In summary, the available evidence is currently insufficient to determine the role of this variant in disease. Therefore, it has been classified as a Variant of Uncertain Significance.

NM_001004334.4(GPR179):c.2947C>G (p.Pro983Ala)

Gene: GPR179 (G protein-coupled receptor 179; minus strand). Cytogenetic location: 17q12.
Variant type: single nucleotide variant.
Coding change: c.2947C>G on transcript NM_001004334.4 (MANE Select); coding-DNA position 2947, C replaced by G.
Protein change: p.Pro983Ala; replaces proline 983 with alanine.
Molecular consequence: missense variant.
Genome position (GRCh38, 1-based): chr17:38,330,622, G>C on the plus strand (C>G on the coding strand, the complement: GPR179 is on the minus strand). VCF-style: chr17-38330622-G-C. GRCh37 (hg19) VCF-style: chr17-36486505-G-C.
Other names: short protein forms P983A.
Identifiers: ClinVar variation 1524094 (VCV001524094.6), dbSNP rs750885493, ClinGen allele CA290105470.